The following is an entry in ClinVar:

ClinVar aggregate classification (germline): Uncertain significance. Review status: criteria provided, multiple submitters, no conflicts (2 of 4 stars). 2 submissions from 2 submitters: Uncertain significance (2). Last evaluated 2025-04-22.

Conditions:
Cerebellar dysfunction with variable cognitive and behavioral abnormalities (CECBA). Also called: Nonprogressive cerebellar atxia with intellectual disability. Identifiers: Orphanet 314647, MedGen C3553661, MONDO:0013886, OMIM 614756.
CAMTA1-related disorder. Also called: CAMTA1-related condition.

gnomAD v4.1: 15 of 1,610,196 alleles (0.00093%); highest among the groups gnomAD compares: Non-Finnish European, 0.0012%; no homozygotes.

Submissions (2):

PreventionGenetics, part of Exact Sciences
Classification: Uncertain significance for CAMTA1-related condition. Last evaluated: 2025-04-22. Review status: criteria provided, single submitter. Criteria: ACMG Guidelines, 2015. Collection method: clinical testing. Allele origin: germline.
Comment: The CAMTA1 c.4840C>T variant is predicted to result in the amino acid substitution p.Arg1614Trp. To our knowledge, this variant has not been reported in the literature. This variant is reported in 0.0055% of alleles in individuals of East Asian descent in gnomAD. At this time, the clinical significance of this variant is uncertain due to the absence of conclusive functional and genetic evidence.

Juno Genomics, Hangzhou Juno Genomics, Inc
Classification: Uncertain significance for Cerebellar dysfunction with variable cognitive and behavioral abnormalities. Review status: criteria provided, single submitter. Criteria: ACMG Guidelines, 2015. Collection method: clinical testing. Allele origin: germline.
Comment: Absent from controls (or at extremely low frequency if recessive) in Genome Aggregation Database.;Missense variant in a gene that has a low rate of benign missense variation.

NM_015215.4(CAMTA1):c.4840C>T (p.Arg1614Trp)

Gene: CAMTA1 (calmodulin binding transcription activator 1; plus strand). Cytogenetic location: 1p36.23.
Variant type: single nucleotide variant.
Coding change: c.4840C>T on transcript NM_015215.4 (MANE Select); coding-DNA position 4840, C replaced by T.
Protein change: p.Arg1614Trp; replaces arginine 1614 with tryptophan.
Molecular consequence: missense variant.
Genome position (GRCh38, 1-based): chr1:7,751,349, C>T. VCF-style: chr1-7751349-C-T. GRCh37 (hg19) VCF-style: chr1-7811409-C-T.
Other names: c.1573C>T, p.Arg525Trp (NM_001349626.2, NM_001349623.1, NM_001349624.3 and 1 more transcripts); c.4501C>T, p.Arg1501Trp (NM_001410737.1); c.4429C>T, p.Arg1477Trp (NM_001410738.1); c.4750C>T, p.Arg1584Trp (NM_001349608.2); c.4522C>T, p.Arg1508Trp (NM_001349609.2, NM_001349610.2); c.4432C>T, p.Arg1478Trp (NM_001349612.2); c.1969C>T, p.Arg657Trp (NM_001349613.1); c.1933C>T, p.Arg645Trp (NM_001349614.1, NM_001349615.2, NM_001349616.2); and 2 more; short protein forms R1501W, R1508W, R525W, R638W, R1477W, R1478W, R1614W, R532W.
Identifiers: ClinVar variation 4980893 (VCV004980893.2).